The following is an entry in ClinVar:

ClinVar aggregate classification (germline): Uncertain significance (1 of 4 stars; one submission).

Allele frequency attached by ClinVar (database versions not stated): gnomAD exomes below 0.00001; TOPMed 0.00001; ExAC 0.00002; gnomAD 0.00002.
gnomAD v4.1: 7 of 1,598,920 alleles (0.00044%); highest among the groups gnomAD compares: East Asian, 0.016%; no homozygotes.

Submission:

Labcorp Genetics (formerly Invitae), Labcorp
Classification: Uncertain significance. Last evaluated: 2024-07-03. Review status: criteria provided, single submitter. Criteria: Invitae Variant Classification Sherloc (09022015). Collection method: clinical testing. Allele origin: germline.
Comment: This sequence change replaces lysine, which is basic and polar, with glutamic acid, which is acidic and polar, at codon 563 of the TNNI3K protein (p.Lys563Glu). This variant is present in population databases (rs751267733, gnomAD 0.04%). This variant has not been reported in the literature in individuals affected with TNNI3K-related conditions. Advanced modeling of protein sequence and biophysical properties (such as structural, functional, and spatial information, amino acid conservation, physicochemical variation, residue mobility, and thermodynamic stability) performed at Invitae indicates that this missense variant is not expected to disrupt TNNI3K protein function with a negative predictive value of 80%. In summary, the available evidence is currently insufficient to determine the role of this variant in disease. Therefore, it has been classified as a Variant of Uncertain Significance.

NM_015978.3(TNNI3K):c.1687A>G (p.Lys563Glu)

Genes: FPGT-TNNI3K (FPGT-TNNI3K readthrough; plus strand), TNNI3K (TNNI3 interacting kinase; plus strand). Cytogenetic location: 1p31.1.
Variant type: single nucleotide variant.
Coding change: c.1687A>G on transcript NM_015978.3 (MANE Select); coding-DNA position 1687, A replaced by G.
Protein change: p.Lys563Glu; replaces lysine 563 with glutamic acid.
Molecular consequence: missense variant.
Genome position (GRCh38, 1-based): chr1:74,370,307, A>G. VCF-style: chr1-74370307-A-G. GRCh37 (hg19) VCF-style: chr1-74835991-A-G.
Other names: c.1990A>G, p.Lys664Glu (NM_001112808.3, NM_001199327.2); short protein forms K664E, K563E.
Identifiers: ClinVar variation 2823936 (VCV002823936.3), dbSNP rs751267733, ClinGen allele CA909373.